The following is an entry in ClinVar:

NM_001042492.3(NF1):c.3820C>T (p.Leu1274Phe)

Gene: NF1 (neurofibromin 1; plus strand). Cytogenetic location: 17q11.2.
Variant type: single nucleotide variant.
Coding change: c.3820C>T on transcript NM_001042492.3 (MANE Select); coding-DNA position 3820, C replaced by T.
Protein change: p.Leu1274Phe; replaces leucine 1274 with phenylalanine.
Molecular consequence: missense variant.
Genome position (GRCh38, 1-based): chr17:31,235,722, C>T. VCF-style: chr17-31235722-C-T. GRCh37 (hg19) VCF-style: chr17-29562740-C-T.
Other names: c.3820C>T, p.Leu1274Phe (NM_000267.4); short protein forms L1274F.
Identifiers: ClinVar variation 960033 (VCV000960033.8), dbSNP rs2067188550, ClinGen allele CA398992728.

ClinVar aggregate classification (germline): Uncertain significance. Review status: criteria provided, multiple submitters, no conflicts (2 of 4 stars). 3 submissions from 3 submitters: Uncertain significance (3). Last evaluated 2025-12-23.

Conditions:
NF1-related disorder. Also called: NF1-related condition. Identifiers: MedGen CN379171.
Neurofibromatosis, type 1 (NF1). Also called: Neurofibromatosis, type I; VON RECKLINGHAUSEN DISEASE; NEUROFIBROMATOSIS, TYPE I, SOMATIC; Peripheral type neurofibromatosis. Identifiers: Orphanet 636, MedGen C0027831, MONDO:0018975, OMIM 162200. Disease mechanism: loss of function.

Submissions (3):

PreventionGenetics, part of Exact Sciences
Classification: Uncertain significance for NF1-related condition. Last evaluated: 2025-12-23. Review status: criteria provided, single submitter. Criteria: ACMG Guidelines, 2015. Collection method: clinical testing. Allele origin: germline.
Comment: The NF1 c.3820C>T variant is predicted to result in the amino acid substitution p.Leu1274Phe. To our knowledge, this variant has not been reported in the literature or in a large population database (gnomAD), indicating this variant is rare. At this time, the clinical significance of this variant is uncertain due to the absence of conclusive functional and genetic evidence.

Labcorp Genetics (formerly Invitae), Labcorp
Classification: Uncertain significance for Neurofibromatosis, type 1. Last evaluated: 2025-02-07. Review status: criteria provided, single submitter. Criteria: Invitae Variant Classification Sherloc (09022015). Collection method: clinical testing. Allele origin: germline.
Comment: This sequence change replaces leucine, which is neutral and non-polar, with phenylalanine, which is neutral and non-polar, at codon 1274 of the NF1 protein (p.Leu1274Phe). This variant is not present in population databases (gnomAD no frequency). This variant has not been reported in the literature in individuals affected with NF1-related conditions. ClinVar contains an entry for this variant (Variation ID: 960033). Invitae Evidence Modeling of protein sequence and biophysical properties (such as structural, functional, and spatial information, amino acid conservation, physicochemical variation, residue mobility, and thermodynamic stability) indicates that this missense variant is expected to disrupt NF1 protein function with a positive predictive value of 95%. In summary, the available evidence is currently insufficient to determine the role of this variant in disease. Therefore, it has been classified as a Variant of Uncertain Significance.

Blueprint Genetics
Classification: Uncertain significance. Last evaluated: 2018-06-06. Review status: criteria provided, single submitter. Criteria: ACMG Guidelines, 2015. Collection method: clinical testing. Allele origin: germline.